The following is an entry in ClinVar:

ClinVar aggregate classification (germline): Uncertain significance (1 of 4 stars; one submission).

Conditions:
RPGR-related retinopathy. Also called: RPGR retinopathy. Identifiers: MedGen CN305589, MONDO:0100437.

Submission:

Broad Center for Mendelian Genomics, Broad Institute of MIT and Harvard
Classification: Uncertain significance for RPGR-related retinopathy. Last evaluated: 2023-05-02. Review status: criteria provided, single submitter. Criteria: ACMG Guidelines, 2015. Collection method: curation. Allele origin: germline. Inheritance: X-linked inheritance.
Comment: The c.470-13T>G variant in RPGR has not been previously reported in individuals with retinitis pigmentosa 3. This variant was absent from large population studies. This variant is located in the 3' splice region. Computational tools predict a splicing impact, though this information is not predictive enough to determine pathogenicity. In summary, the clinical significance of the c.470-13T>G variant is uncertain. ACMG/AMP Criteria applied: PM2_Supporting, PP3 (Richards 2015).

NM_001034853.2(RPGR):c.470-13T>G

Gene: RPGR (retinitis pigmentosa GTPase regulator; minus strand). Cytogenetic location: Xp11.4.
Variant type: single nucleotide variant.
Coding change: c.470-13T>G on transcript NM_001034853.2 (MANE Select); 13 bases into the intron before coding-DNA position 470, T replaced by G.
Molecular consequence: intron variant.
Genome position (GRCh38, 1-based): chrX:38,317,478, A>C on the plus strand (T>G on the coding strand, the complement: RPGR is on the minus strand). VCF-style: chrX-38317478-A-C. GRCh37 (hg19) VCF-style: chrX-38176731-A-C.
Other names: NM_001034853.2:c.470-13T>G; c.467-13T>G (NM_001367249.1); c.470-13T>G (NM_001367250.1, NM_001367245.1, NM_001367251.1 and 3 more transcripts); c.500-13T>G (NM_001367248.1).
Identifiers: ClinVar variation 2500868 (VCV002500868.1), dbSNP rs2519889562, ClinGen allele CA658820623.